The following is an entry in ClinVar:

NM_006904.7(PRKDC):c.1889G>T (p.Cys630Phe)

Gene: PRKDC (protein kinase, DNA-activated, catalytic subunit; minus strand). Cytogenetic location: 8q11.21.
Variant type: single nucleotide variant.
Coding change: c.1889G>T on transcript NM_006904.7 (MANE Select); coding-DNA position 1889, G replaced by T.
Protein change: p.Cys630Phe; replaces cysteine 630 with phenylalanine.
Molecular consequence: missense variant.
Genome position (GRCh38, 1-based): chr8:47,930,675, C>A on the plus strand (G>T on the coding strand, the complement: PRKDC is on the minus strand). VCF-style: chr8-47930675-C-A. GRCh37 (hg19) VCF-style: chr8-48843235-C-A.
Other names: c.1889G>T, p.Cys630Phe (NM_001081640.2); short protein forms C630F.
Identifiers: ClinVar variation 2417216 (VCV002417216.6), dbSNP rs371411239, ClinGen allele CA4741617.

ClinVar aggregate classification (germline): Uncertain significance. Review status: criteria provided, multiple submitters, no conflicts (2 of 4 stars). 2 submissions from 2 submitters: Uncertain significance (2). Last evaluated 2024-10-26.

Conditions:
Severe combined immunodeficiency due to DNA-PKcs deficiency. Also called: IMMUNODEFICIENCY 26 WITH NEUROLOGIC ABNORMALITIES; Immunodeficiency 26 with or without neurologic abnormalities. Identifiers: Orphanet 317425, MedGen C4014833, MONDO:0014423, OMIM 615966.

Allele frequency attached by ClinVar (database versions not stated): gnomAD exomes below 0.00001; ExAC 0.00004; ESP Exome Variant Server 0.00009; gnomAD 0.00009; TOPMed 0.00011; 1000 Genomes Project 30x 0.00016; 1000 Genomes Project 0.00020.
gnomAD v4.1: 22 of 1,561,724 alleles (0.0014%); highest among the groups gnomAD compares: African/African-American, 0.022%; no homozygotes.

Submissions (2):

Labcorp Genetics (formerly Invitae), Labcorp
Classification: Uncertain significance for Severe combined immunodeficiency due to DNA-PKcs deficiency. Last evaluated: 2024-10-26. Review status: criteria provided, single submitter. Criteria: Invitae Variant Classification Sherloc (09022015). Collection method: clinical testing. Allele origin: germline.
Comment: This sequence change replaces cysteine, which is neutral and slightly polar, with phenylalanine, which is neutral and non-polar, at codon 630 of the PRKDC protein (p.Cys630Phe). This variant is present in population databases (rs371411239, gnomAD 0.03%). This variant has not been reported in the literature in individuals affected with PRKDC-related conditions. ClinVar contains an entry for this variant (Variation ID: 2417216). Invitae Evidence Modeling of protein sequence and biophysical properties (such as structural, functional, and spatial information, amino acid conservation, physicochemical variation, residue mobility, and thermodynamic stability) indicates that this missense variant is not expected to disrupt PRKDC protein function with a negative predictive value of 80%. In summary, the available evidence is currently insufficient to determine the role of this variant in disease. Therefore, it has been classified as a Variant of Uncertain Significance.

Ambry Genetics
Classification: Uncertain significance. Last evaluated: 2022-12-25. Review status: criteria provided, single submitter. Criteria: Ambry Variant Classification Scheme 2023. Collection method: clinical testing. Allele origin: germline.
Comment: The p.C630F variant (also known as c.1889G>T), located in coding exon 17 of the PRKDC gene, results from a G to T substitution at nucleotide position 1889. The cysteine at codon 630 is replaced by phenylalanine, an amino acid with highly dissimilar properties. This amino acid position is conserved. In addition, the in silico prediction for this alteration is inconclusive. Since supporting evidence is limited at this time, the clinical significance of this alteration remains unclear.